The following is an entry in ClinVar:

NM_004525.3(LRP2):c.4991G>A (p.Arg1664Gln)

Gene: LRP2 (LDL receptor related protein 2; minus strand). Cytogenetic location: 2q31.1.
Variant type: single nucleotide variant.
Coding change: c.4991G>A on transcript NM_004525.3 (MANE Select); coding-DNA position 4991, G replaced by A.
Protein change: p.Arg1664Gln; replaces arginine 1664 with glutamine.
Molecular consequence: missense variant.
Genome position (GRCh38, 1-based): chr2:169,233,518, C>T on the plus strand (G>A on the coding strand, the complement: LRP2 is on the minus strand). VCF-style: chr2-169233518-C-T. GRCh37 (hg19) VCF-style: chr2-170090028-C-T.
Other names: short protein forms R1664Q.
Identifiers: ClinVar variation 1306333 (VCV001306333.3), dbSNP rs142712531, ClinGen allele CA1954651.

ClinVar aggregate classification (germline): Uncertain significance. Review status: criteria provided, multiple submitters, no conflicts (2 of 4 stars). 2 submissions from 2 submitters: Uncertain significance (2). Last evaluated 2023-12-24.

Conditions:
Donnai-Barrow syndrome. Also called: DBS/FOAR SYNDROME; FACIOOCULOACOUSTICORENAL SYNDROME. Identifiers: Orphanet 2143, MedGen C1857277, MONDO:0009104, OMIM 222448.

Allele frequency attached by ClinVar (database versions not stated): ExAC 0.00002; gnomAD exomes 0.00002; TOPMed 0.00002; gnomAD 0.00003; ESP Exome Variant Server 0.00008.
gnomAD v4.1: 19 of 1,613,948 alleles (0.0012%); highest among the groups gnomAD compares: Admixed American, 0.0083%; no homozygotes.

Submissions (2):

Fulgent Genetics
Classification: Uncertain significance for Donnai-Barrow syndrome. Last evaluated: 2023-12-24. Review status: criteria provided, single submitter. Criteria: ACMG Guidelines, 2015. Collection method: clinical testing. Allele origin: germline.

GeneDx
Classification: Uncertain significance. Last evaluated: 2021-05-14. Review status: criteria provided, single submitter. Criteria: GeneDx Variant Classification Process June 2021. Collection method: clinical testing. Allele origin: germline. Affected: yes.
Comment: In silico analysis, which includes protein predictors and evolutionary conservation, supports a deleterious effect; Has not been previously published as pathogenic or benign to our knowledge